The following is an entry in ClinVar:

ClinVar aggregate classification (germline): Uncertain significance (1 of 4 stars; one submission).

Conditions:
Aortic valve disease 2 (AOVD2). Identifiers: MedGen C3542024, MONDO:0013902, OMIM 614823.

gnomAD v4.1: 3 of 1,599,728 alleles (0.00019%); highest among the groups gnomAD compares: South Asian, 0.0011%; no homozygotes.

Submission:

Labcorp Genetics (formerly Invitae), Labcorp
Classification: Uncertain significance for Aortic valve disease 2. Last evaluated: 2025-09-05. Review status: criteria provided, single submitter. Criteria: Invitae Variant Classification Sherloc (09022015). Collection method: clinical testing. Allele origin: germline.
Comment: This sequence change replaces cysteine, which is neutral and slightly polar, with arginine, which is basic and polar, at codon 332 of the SMAD6 protein (p.Cys332Arg). This variant is not present in population databases (gnomAD no frequency). This variant has not been reported in the literature in individuals affected with SMAD6-related conditions. Invitae Evidence Modeling of protein sequence and biophysical properties (such as structural, functional, and spatial information, amino acid conservation, physicochemical variation, residue mobility, and thermodynamic stability) has been performed for this missense variant. However, the output from this modeling did not meet the statistical confidence thresholds required to predict the impact of this variant on SMAD6 protein function. In summary, the available evidence is currently insufficient to determine the role of this variant in disease. Therefore, it has been classified as a Variant of Uncertain Significance.

NM_005585.5(SMAD6):c.994T>C (p.Cys332Arg)

Gene: SMAD6 (SMAD family member 6; plus strand). Cytogenetic location: 15q22.31.
Variant type: single nucleotide variant.
Coding change: c.994T>C on transcript NM_005585.5 (MANE Select); coding-DNA position 994, T replaced by C.
Protein change: p.Cys332Arg; replaces cysteine 332 with arginine.
Molecular consequence: missense variant. On other transcripts: non-coding transcript variant (1).
Genome position (GRCh38, 1-based): chr15:66,781,038, T>C. VCF-style: chr15-66781038-T-C. GRCh37 (hg19) VCF-style: chr15-67073376-T-C.
Other names: short protein forms C332R.
Identifiers: ClinVar variation 4740205 (VCV004740205.1).